The following is an entry in ClinVar:

ClinVar aggregate classification (germline): Pathogenic/Likely pathogenic. Review status: criteria provided, multiple submitters, no conflicts (2 of 4 stars). 2 submissions from 2 submitters: Pathogenic (1); Likely pathogenic (1). Last evaluated 2026-02-01.

Conditions:
Structural heart defects and renal anomalies syndrome (SHDRA). Identifiers: Orphanet 689822, MedGen C4479549, MONDO:0044321, OMIM 617478.

Submissions (2):

CeGaT Center for Human Genetics Tuebingen
Classification: Pathogenic. Last evaluated: 2026-02-01. Review status: criteria provided, single submitter. Criteria: CeGaT Center For Human Genetics Tuebingen Variant Classification Criteria Version 2. Collection method: clinical testing. Allele origin: germline. Affected: yes. Observed: 3 variant alleles.
Comment: TMEM260: PVS1, PM2, PM3:Supporting

MVZ Praenatalmedizin und Genetik Nuernberg
Classification: Likely pathogenic for Structural heart defects and renal anomalies syndrome. Last evaluated: 2023-08-28. Review status: criteria provided, single submitter. Criteria: ACMG Guidelines, 2015. Collection method: clinical testing. Allele origin: biparental. Affected: yes.
Comment: The variant has not been detected in gnomADv2.1.1 and is therefore a very rare variant. Furthermore, it cannot be found in the ClinVar database either. The above-mentioned variant leads to a shift in the reading frame in exon 13 and to a premature stop codon. The ClinVar clinical database currently lists 19 SNVs/InDels in TMEM260 as likely pathogenic or pathogenic. These variants listed as likely pathogenic or pathogenic are predominantly frameshift or stop changes, two of which are located further terminally than the variant NM_017799.4: c.1723dup identified in the patient. A recent publication summarizes a total of eight families with TMEM260 changes and heart changes, as well as some kidney and brain changes (PMID: 37228400). Here, too, these are predominantly frameshift and stop mutations. In summary, based on the current data, we assess this to be a likely pathogenic variant.

Literature cited by the submitters: PubMed 37228400 (cited by MVZ Praenatalmedizin und Genetik Nuernberg).

NM_017799.4(TMEM260):c.1723dup (p.Arg575fs)

Gene: TMEM260 (transmembrane protein 260; plus strand). Cytogenetic location: 14q22.3.
Variant type: Duplication.
Coding change: c.1723dup on transcript NM_017799.4 (MANE Select); coding-DNA position 1723, one base duplicated (A; older notation c.1723dupA).
Protein change: p.Arg575fs; shifts the reading frame from arginine 575.
Molecular consequence: frameshift variant.
Genome position (GRCh38, 1-based): chr14:56,633,170, A duplicated; the last of 2 consecutive A bases (chr14:56,633,169-56,633,170); duplicating either gives the same sequence. VCF-style (leftmost placement, unchanged base first): chr14-56633168-G-GA. GRCh37 (hg19) VCF-style: chr14-57099886-G-GA.
Other names: short protein forms R575fs.
Identifiers: ClinVar variation 4813453 (VCV004813453.5).